The following is an entry in ClinVar:

NM_002693.3(POLG):c.2257C>T (p.Pro753Ser)

Gene: POLG (DNA polymerase gamma, catalytic subunit; minus strand). Cytogenetic location: 15q26.1.
Variant type: single nucleotide variant.
Coding change: c.2257C>T on transcript NM_002693.3 (MANE Select); coding-DNA position 2257, C replaced by T.
Protein change: p.Pro753Ser; replaces proline 753 with serine.
Molecular consequence: missense variant.
Genome position (GRCh38, 1-based): chr15:89,323,412, G>A on the plus strand (C>T on the coding strand, the complement: POLG is on the minus strand). VCF-style: chr15-89323412-G-A. GRCh37 (hg19) VCF-style: chr15-89866643-G-A.
Other names: c.2257C>T, p.Pro753Ser (NM_001126131.2); c.2257C>T (NM_002693.2); short protein forms P753S.
Identifiers: ClinVar variation 1050879 (VCV001050879.11), dbSNP rs1446536384, ClinGen allele CA393756638.

ClinVar aggregate classification (germline): Uncertain significance. Review status: criteria provided, multiple submitters, no conflicts (2 of 4 stars). 3 submissions from 3 submitters: Uncertain significance (3). Last evaluated 2024-10-22.

Conditions:
Progressive sclerosing poliodystrophy (MTDPS4A). Also called: NEURONAL DEGENERATION OF CHILDHOOD WITH LIVER DISEASE, PROGRESSIVE; Alpers-Huttenlocher Syndrome (AHS); ALPERS PROGRESSIVE INFANTILE POLIODYSTROPHY; Mitochondrial DNA Depletion Syndrome 4A; Alpers Syndrome; ALPERS DIFFUSE DEGENERATION OF CEREBRAL GRAY MATTER WITH HEPATIC CIRRHOSIS. Identifiers: Orphanet 726, MedGen C0205710, MONDO:0008758, OMIM 203700.
Mitochondrial DNA depletion syndrome 1. Also called: POLIP SYNDROME; POLYNEUROPATHY, OPHTHALMOPLEGIA, LEUKOENCEPHALOPATHY, AND INTESTINAL PSEUDOOBSTRUCTION; Mitochondrial neurogastrointestinal encephalomyopathy syndrome; Mitochondrial DNA depletion syndrome 1 (MNGIE type); Mitochondrial Neurogastrointestinal Encephalopathy Disease; MITOCHONDRIAL NEUROGASTROINTESTINAL ENCEPHALOPATHY SYNDROME, TYMP-RELATED. Identifiers: Orphanet 298, MedGen C4551995, MONDO:0011283, OMIM 603041.
Progressive external ophthalmoplegia with mitochondrial DNA deletions, autosomal recessive 1 (PEOB1). Also called: Progressive external ophthalmoplegia, autosomal recessive 1; Autosomal Recessive Progressive External Ophthalmoplegia (arPEO). Identifiers: Orphanet 254886, MedGen C4225153, MONDO:0009783, OMIM 258450.
Progressive external ophthalmoplegia with mitochondrial DNA deletions, autosomal dominant 1 (PEOA1). Also called: Autosomal Dominant Progressive External Ophthalmoplegia (adPEO); PROGRESSIVE EXTERNAL OPHTHALMOPLEGIA, AUTOSOMAL DOMINANT 1. Identifiers: MedGen C1834846, MONDO:0024528, OMIM 157640.
Sensory ataxic neuropathy, dysarthria, and ophthalmoparesis (SANDO). Also called: Epilepsy, progressive myoclonic, type 5; Ataxia Neuropathy Spectrum (ANS); SENSORY ATAXIC NEUROPATHY WITH MITOCHONDRIAL DNA DELETIONS, AUTOSOMAL RECESSIVE; Sensory ataxic neuropathy-dysarthria-ophthalmoparesis syndrome. Identifiers: Orphanet 70595, MedGen C1843851, MONDO:0011835, OMIM 607459.
Mitochondrial DNA depletion syndrome 4b. Also called: Mitochondrial Neurogastrointestinal Encephalopathy Disease, POLG-Related; MNGIE, POLG-RELATED. Identifiers: Orphanet 298, MedGen C3150914, MONDO:0013350, OMIM 613662.

Allele frequency attached by ClinVar (database versions not stated): gnomAD exomes below 0.00001; gnomAD 0.00001; TOPMed 0.00002.
gnomAD v4.1: 3 of 1,607,816 alleles (0.00019%); highest among the groups gnomAD compares: African/African-American, 0.004%; no homozygotes.

Submissions (3):

Labcorp Genetics (formerly Invitae), Labcorp
Classification: Uncertain significance for Progressive sclerosing poliodystrophy. Last evaluated: 2024-10-22. Review status: criteria provided, single submitter. Criteria: Invitae Variant Classification Sherloc (09022015). Collection method: clinical testing. Allele origin: germline.
Comment: This sequence change replaces proline, which is neutral and non-polar, with serine, which is neutral and polar, at codon 753 of the POLG protein (p.Pro753Ser). The frequency data for this variant in the population databases is considered unreliable, as metrics indicate poor data quality at this position in the gnomAD database. This variant has not been reported in the literature in individuals affected with POLG-related conditions. ClinVar contains an entry for this variant (Variation ID: 1050879). Invitae Evidence Modeling of protein sequence and biophysical properties (such as structural, functional, and spatial information, amino acid conservation, physicochemical variation, residue mobility, and thermodynamic stability) indicates that this missense variant is expected to disrupt POLG protein function with a positive predictive value of 95%. In summary, the available evidence is currently insufficient to determine the role of this variant in disease. Therefore, it has been classified as a Variant of Uncertain Significance.

GeneDx
Classification: Uncertain significance. Last evaluated: 2024-10-11. Review status: criteria provided, single submitter. Criteria: GeneDx Variant Classification Process June 2021. Collection method: clinical testing. Allele origin: germline. Affected: yes.
Comment: Not observed at significant frequency in large population cohorts (gnomAD); In silico analysis supports that this missense variant has a deleterious effect on protein structure/function; Has not been previously published as pathogenic or benign to our knowledge

Fulgent Genetics
Classification: Uncertain significance for Progressive external ophthalmoplegia with mitochondrial DNA deletions, autosomal dominant 1; Progressive sclerosing poliodystrophy; Progressive external ophthalmoplegia with mitochondrial DNA deletions, autosomal recessive 1; Mitochondrial DNA depletion syndrome 1; Sensory ataxic neuropathy, dysarthria, and ophthalmoparesis; Mitochondrial DNA depletion syndrome 4b. Last evaluated: 2021-11-08. Review status: criteria provided, single submitter. Criteria: ACMG Guidelines, 2015. Collection method: clinical testing. Allele origin: unknown.